The following is an entry in ClinVar:

NM_001267550.2(TTN):c.99115C>G (p.Gln33039Glu)

Genes: TTN (titin; minus strand), TTN-AS1 (TTN antisense RNA 1; plus strand). Cytogenetic location: 2q31.2.
Variant type: single nucleotide variant.
Coding change: c.99115C>G on transcript NM_001267550.2 (MANE Select); coding-DNA position 99115, C replaced by G.
Protein change: p.Gln33039Glu; replaces glutamine 33039 with glutamic acid.
Molecular consequence: missense variant. On other transcripts: non-coding transcript variant (1).
Genome position (GRCh38, 1-based): chr2:178,538,714, G>C on the plus strand (C>G on the coding strand, the complement: TTN is on the minus strand). VCF-style: chr2-178538714-G-C. GRCh37 (hg19) VCF-style: chr2-179403441-G-C.
Other names: c.94192C>G, p.Gln31398Glu (NM_001256850.1); c.71920C>G, p.Gln23974Glu (NM_003319.4); c.91411C>G, p.Gln30471Glu (NM_133378.4); c.72295C>G, p.Gln24099Glu (NM_133432.3); c.72496C>G, p.Gln24166Glu (NM_133437.4); c.99115C>G (NM_001267550.1); short protein forms Q23974E, Q24099E, Q24166E, Q30471E, Q31398E, Q33039E.
Identifiers: ClinVar variation 1309431 (VCV001309431.8), dbSNP rs775875875, ClinGen allele CA1986255.

ClinVar aggregate classification (germline): Conflicting classifications of pathogenicity. Review status: criteria provided, conflicting classifications (1 of 4 stars). 3 submissions from 3 submitters: Uncertain significance (2); Likely benign (1). Last evaluated 2025-05-28.

Conditions:
Cardiovascular phenotype. Identifiers: MedGen CN230736.

Allele frequency attached by ClinVar (database versions not stated): TOPMed 0.00001; ExAC 0.00002; gnomAD exomes 0.00001; gnomAD 0.00002.
gnomAD v4.1: 14 of 1,613,636 alleles (0.00087%); highest among the groups gnomAD compares: Non-Finnish European, 0.00076%; no homozygotes.

Submissions (3):

Women's Health and Genetics/Laboratory Corporation of America, LabCorp
Classification: Uncertain significance. Last evaluated: 2025-05-28. Review status: criteria provided, single submitter. Criteria: LabCorp Variant Classification Summary - May 2015. Collection method: clinical testing. Allele origin: germline.

Ambry Genetics
Classification: Likely benign for Cardiovascular phenotype. Last evaluated: 2025-04-28. Review status: criteria provided, single submitter. Criteria: Ambry Variant Classification Scheme 2023. Collection method: clinical testing. Allele origin: germline.

GeneDx
Classification: Uncertain significance. Last evaluated: 2024-05-17. Review status: criteria provided, single submitter. Criteria: GeneDx Variant Classification Process June 2021. Collection method: clinical testing. Allele origin: germline. Affected: yes.
Comment: Not observed at significant frequency in large population cohorts (gnomAD); Missense variant in a gene in which most reported pathogenic variants are truncating/loss of function; Has not been previously published as pathogenic or benign to our knowledge